The following is an entry in ClinVar:

ClinVar aggregate classification (germline): Conflicting classifications of pathogenicity. Review status: criteria provided, conflicting classifications (1 of 4 stars). 3 submissions from 3 submitters: Uncertain significance (2); Likely benign (1). Last evaluated 2026-05-06.

Conditions:
TTN-related disorder. Also called: TTN-related disorders; TTN-related condition; TTN-related disease.

gnomAD v4.1: 22 of 1,613,880 alleles (0.0014%); highest among the groups gnomAD compares: Admixed American, 0.02%; no homozygotes.

Submissions (3):

PreventionGenetics, part of Exact Sciences
Classification: Uncertain significance for TTN-related condition. Last evaluated: 2026-05-06. Review status: criteria provided, single submitter. Criteria: ACMG Guidelines, 2015. Collection method: clinical testing. Allele origin: germline.
Comment: The TTN c.13194A>T variant is predicted to result in the amino acid substitution p.Gln4398His. To our knowledge, this variant has not been reported in the literature. This variant is reported in 0.014% of alleles in individuals of Latino descent in gnomAD. At this time, the clinical significance of this variant is uncertain due to the absence of conclusive functional and genetic evidence.

Molecular Diagnostic Laboratory for Inherited Cardiovascular Disease, Montreal Heart Institute
Classification: Likely benign. Last evaluated: 2025-04-09. Review status: criteria provided, single submitter. Criteria: ACMG Guidelines, 2015. Collection method: clinical testing. Allele origin: germline. Affected: no.

ARUP Laboratories, Molecular Genetics and Genomics, ARUP Laboratories
Classification: Uncertain significance. Last evaluated: 2024-04-16. Review status: criteria provided, single submitter. Criteria: ARUP Molecular Germline Variant Investigation Process 2024. Collection method: clinical testing. Allele origin: germline.
Comment: The TTN c.13194A>T; p.Gln4398His variant (rs375347596) is rare in the general population (<0.2% allele frequency in the Genome Aggregation Database) and has not been reported in the medical literature in association with dilated cardiomyopathy (DCM) or other TTN-related disease. The clinical relevance of rare missense variants in this gene, which are identified on average once per individual sequenced in affected populations (Herman 2012), is not well understood. Yet, evidence suggests that the vast majority of such missense variants do not contribute to the clinical outcome of DCM (Begay 2015). Thus, the clinical significance of the p.Gln4398His variant cannot be determined with certainty. References: Begay RL et al. Role of Titin Missense Variants in Dilated Cardiomyopathy. J Am Heart Assoc. 2015 Nov 13;4(11). PMID: 26567375. Herman DS et al. Truncations of titin causing dilated cardiomyopathy. N Engl J Med. 2012 Feb 16;366(7):619-28. PMID: 22335739. Linke WA and Hamdani N. Gigantic business: titin properties and function through thick and thin. Circ Res 2014; 114(6): 1052-1068. PMID: 24625729.

NM_001267550.2(TTN):c.13194A>T (p.Gln4398His)

Gene: TTN (titin; minus strand). Cytogenetic location: 2q31.2.
Variant type: single nucleotide variant.
Coding change: c.13194A>T on transcript NM_001267550.2 (MANE Select); coding-DNA position 13194, A replaced by T.
Protein change: p.Gln4398His; replaces glutamine 4398 with histidine.
Molecular consequence: missense variant. On other transcripts: intron variant (1).
Genome position (GRCh38, 1-based): chr2:178,740,039, T>A on the plus strand (A>T on the coding strand, the complement: TTN is on the minus strand). VCF-style: chr2-178740039-T-A. GRCh37 (hg19) VCF-style: chr2-179604766-T-A.
Other names: c.12243A>T, p.Gln4081His (NM_001256850.1); c.12105A>T, p.Gln4035His (NM_003319.4); c.12480A>T, p.Gln4160His (NM_133432.3); c.12681A>T, p.Gln4227His (NM_133437.4); c.10361-1679A>T (NM_133378.4); short protein forms Q4035H, Q4081H, Q4160H, Q4227H, Q4398H.
Identifiers: ClinVar variation 3766569 (VCV003766569.3), dbSNP rs375347596.
Genomic context (GRCh38, chr2:178,740,039, plus strand): 5'-CCACTCAGAGAAAAGACCTGGCTGCTCGCTGGCCACGGCTGCTTGCAAAGCCCGGCAGAT[T>A]TGAATTTTCAGGTTTAATCTCTGCTCTTCTGGAATACCAGAAAGCAAGCTTTCCTTAGAA-3'
Protein context (NP_001254479.2, residues 4388-4408): PEEQRLNLKI[Gln4398His]ICRALQAAVA